The following is an entry in ClinVar:

NM_000135.4(FANCA):c.1077C>G (p.Tyr359Ter)

Gene: FANCA (FA complementation group A; minus strand). Cytogenetic location: 16q24.3.
Variant type: single nucleotide variant.
Coding change: c.1077C>G on transcript NM_000135.4 (MANE Select); coding-DNA position 1077, C replaced by G.
Protein change: p.Tyr359Ter; replaces tyrosine 359 with a stop codon.
Molecular consequence: nonsense.
Genome position (GRCh38, 1-based): chr16:89,792,477, G>C on the plus strand (C>G on the coding strand, the complement: FANCA is on the minus strand). VCF-style: chr16-89792477-G-C. GRCh37 (hg19) VCF-style: chr16-89858885-G-C.
Other names: c.1077C>G, p.Tyr359Ter (NM_001286167.3); short protein forms Y359*.
Identifiers: ClinVar variation 5013701 (VCV005013701.1).

ClinVar aggregate classification (germline): Pathogenic (1 of 4 stars; one submission).

Conditions:
Fanconi anemia complementation group A (FANCA). Also called: Fanconi anemia, group A; FANCA-Related Fanconi Anemia. Identifiers: Orphanet 84, MedGen C3469521, MONDO:0009215, OMIM 227650.

Submission:

Myriad Genetics, Inc.
Classification: Pathogenic for Fanconi anemia complementation group A. Last evaluated: 2024-11-02. Review status: criteria provided, single submitter. Criteria: Myriad Autosomal Dominant, Autosomal Recessive and X-Linked Classification Criteria (2023). Collection method: clinical testing. Allele origin: unknown.
Comment: NM_000135.2(FANCA):c.1077C>G(Y359*) is expected to be pathogenic in the context of Fanconi anemia complementation group A. This variant is predicted to lead to an abnormal or absent protein product due to the creation of a premature termination codon in FANCA, a gene where loss-of-function variants are known to be pathogenic. Please note: this variant was assessed in the context of healthy population screening.